The following is an entry in ClinVar:

NM_015041.3(CLUAP1):c.773C>T (p.Thr258Ile)

Gene: CLUAP1 (clusterin associated protein 1; plus strand). Cytogenetic location: 16p13.3.
Variant type: single nucleotide variant.
Coding change: c.773C>T on transcript NM_015041.3 (MANE Select); coding-DNA position 773, C replaced by T.
Protein change: p.Thr258Ile; replaces threonine 258 with isoleucine.
Molecular consequence: missense variant.
Genome position (GRCh38, 1-based): chr16:3,523,217, C>T. VCF-style: chr16-3523217-C-T. GRCh37 (hg19) VCF-style: chr16-3573217-C-T.
Other names: c.773C>T, p.Thr258Ile (NM_001330454.2); c.275C>T, p.Thr92Ile (NM_024793.3); short protein forms T258I, T92I.
Identifiers: ClinVar variation 963278 (VCV000963278.10), dbSNP rs117478202, ClinGen allele CA7863846.

ClinVar aggregate classification (germline): Uncertain significance (1 of 4 stars; one submission).

Allele frequency attached by ClinVar (database versions not stated): gnomAD 0.00001; gnomAD exomes 0.00001 and 0.00004; ExAC 0.00002; 1000 Genomes Project 30x 0.00016; 1000 Genomes Project 0.00020.
gnomAD v4.1: 52 of 1,613,816 alleles (0.0032%); highest among the groups gnomAD compares: East Asian, 0.11%; no homozygotes.

Submission:

Labcorp Genetics (formerly Invitae), Labcorp
Classification: Uncertain significance. Last evaluated: 2019-09-21. Review status: criteria provided, single submitter. Criteria: Invitae Variant Classification Sherloc (09022015). Collection method: clinical testing. Allele origin: germline.
Comment: Algorithms developed to predict the effect of missense changes on protein structure and function output the following: SIFT: "Tolerated"; PolyPhen-2: "Benign"; Align-GVGD: "Class C0". The isoleucine amino acid residue is found in multiple mammalian species, suggesting that this missense change does not adversely affect protein function. These predictions have not been confirmed by published functional studies and their clinical significance is uncertain. This variant has not been reported in the literature in individuals with CLUAP1-related conditions. This variant is present in population databases (rs117478202, ExAC 0.03%). This sequence change replaces threonine with isoleucine at codon 258 of the CLUAP1 protein (p.Thr258Ile). The threonine residue is weakly conserved and there is a moderate physicochemical difference between threonine and isoleucine. In summary, the available evidence is currently insufficient to determine the role of this variant in disease. Therefore, it has been classified as a Variant of Uncertain Significance.